The following is an entry in ClinVar:

ClinVar aggregate classification (germline): Uncertain significance (1 of 4 stars; one submission).

Conditions:
Neurodevelopmental disorder. Identifiers: MedGen C1535926, MeSH D065886, MONDO:0700092.
Retinal disorder. Also called: Retinopathy; Retinopathies; Retinal Diseases; Retinal disorders. Identifiers: MedGen C0035309, MONDO:0005283, HP:0000488.

Submission:

Broad Center for Mendelian Genomics, Broad Institute of MIT and Harvard
Classification: Uncertain significance for Neurodevelopmental disorder; Retinal disorder. Last evaluated: 2023-08-30. Review status: criteria provided, single submitter. Criteria: ACMG Guidelines, 2015. Collection method: clinical testing. Allele origin: de novo. Affected: yes.
Comment: Trio genome analysis by the Rare Genomes Project showed this variant to be de novo. The variant was absent from large population studies. This nonsense variant leads to a premature termination codon at position 400, which is predicted to lead to a truncated or absent protein. Loss of function of MDM1 in an autosomal dominant disease has not yet been established based on the criteria laid out in Tayoun et al., 2018 (PMID: 30192042). A knock-out mouse model for the MDM1 gene recapitulated the retinal disorder phenotype (PMID: 18805803). Furthermore, although this gene has been reported in association with retinal disorders, it currently has limited evidence for these associations. In summary, the clinical significance of the p.Lys400Ter variant is uncertain.

Literature cited by the submitters: DOI 10.1101/2023.08.22.23294267.

NM_001354969.2(SAXO6):c.1227dup (p.Lys410Ter)

Gene: SAXO6 (stabilizer of axonemal microtubules 6; minus strand). Cytogenetic location: 12q15.
Variant type: Duplication.
Coding change: c.1227dup on transcript NM_001354969.2 (MANE Select); coding-DNA position 1227, one base duplicated (T; older notation c.1227dupT).
Protein change: p.Lys410Ter; replaces lysine 410 with a stop codon.
Molecular consequence: nonsense.
Genome position (GRCh38, 1-based): chr12:68,315,250, A duplicated on the plus strand (T on the coding strand, the reverse complement: SAXO6 is on the minus strand). VCF-style (leftmost placement, unchanged base first): chr12-68315249-T-TA. GRCh37 (hg19) VCF-style: chr12-68709029-T-TA.
Other names: c.387dup, p.Lys130Ter (NM_001368282.1, NM_001354971.2, NM_001354972.2 and 1 more transcripts); c.1197dup, p.Lys400Ter (NM_017440.6); c.1092dup, p.Lys365Ter (NM_001205028.3); c.1077dup, p.Lys360Ter (NM_001354970.2); c.357dup, p.Lys120Ter (NM_001354974.2); short protein forms K120*, K130*, K360*, K365*, K400*, K410*.
Identifiers: ClinVar variation 2578021 (VCV002578021.1), dbSNP rs2539967155, ClinGen allele CA2580611118.
Genomic context (GRCh38, chr12:68,315,249, plus strand): 5'-GTTCTTCCACGATATTTCCTTTTTCTTCTGGTTCTGTAGAAGGACATTTCTGCAAAGTCT[T>TA]ATGGCTTGTAGGATCTCTGCGTAACAAAATCAATTTTATTTTAAATGTGAATAGTTTGCA-3'